The following is an entry in ClinVar:

NM_002645.4(PIK3C2A):c.2011C>A (p.Gln671Lys)

Gene: PIK3C2A (phosphatidylinositol-4-phosphate 3-kinase catalytic subunit type 2 alpha; minus strand). Cytogenetic location: 11p15.1.
Variant type: single nucleotide variant.
Coding change: c.2011C>A on transcript NM_002645.4 (MANE Select); coding-DNA position 2011, C replaced by A.
Protein change: p.Gln671Lys; replaces glutamine 671 with lysine.
Molecular consequence: missense variant.
Genome position (GRCh38, 1-based): chr11:17,134,916, G>T on the plus strand (C>A on the coding strand, the complement: PIK3C2A is on the minus strand). VCF-style: chr11-17134916-G-T. GRCh37 (hg19) VCF-style: chr11-17156463-G-T.
Other names: c.2011C>A, p.Gln671Lys (NM_001321378.2, NM_001386870.1); c.871C>A, p.Gln291Lys (NM_001321380.2); short protein forms Q291K, Q671K.
Identifiers: ClinVar variation 2065565 (VCV002065565.5), dbSNP rs1232026577, ClinGen allele CA379763732.

ClinVar aggregate classification (germline): Uncertain significance. Review status: criteria provided, multiple submitters, no conflicts (2 of 4 stars). 2 submissions from 2 submitters: Uncertain significance (2). Last evaluated 2022-11-10.

Allele frequency attached by ClinVar (database versions not stated): gnomAD exomes 0.00002; TOPMed 0.00002; gnomAD 0.00001.
gnomAD v4.1: 31 of 1,613,882 alleles (0.0019%); highest among the groups gnomAD compares: African/African-American, 0.0027%; no homozygotes.

Submissions (2):

Ambry Genetics
Classification: Uncertain significance. Last evaluated: 2022-11-10. Review status: criteria provided, single submitter. Criteria: Ambry Variant Classification Scheme 2023. Collection method: clinical testing. Allele origin: germline.

Labcorp Genetics (formerly Invitae), Labcorp
Classification: Uncertain significance. Last evaluated: 2022-05-30. Review status: criteria provided, single submitter. Criteria: Invitae Variant Classification Sherloc (09022015). Collection method: clinical testing. Allele origin: germline.
Comment: In summary, the available evidence is currently insufficient to determine the role of this variant in disease. Therefore, it has been classified as a Variant of Uncertain Significance. Experimental studies and prediction algorithms are not available or were not evaluated, and the functional significance of this variant is currently unknown. This variant has not been reported in the literature in individuals affected with PIK3C2A-related conditions. This variant is present in population databases (no rsID available, gnomAD 0.0009%). This sequence change replaces glutamine, which is neutral and polar, with lysine, which is basic and polar, at codon 671 of the PIK3C2A protein (p.Gln671Lys).